The following is an entry in ClinVar:

NM_001384140.1(PCDH15):c.2728G>A (p.Ala910Thr)

Gene: PCDH15 (protocadherin related 15; minus strand). Cytogenetic location: 10q21.1.
Variant type: single nucleotide variant.
Coding change: c.2728G>A on transcript NM_001384140.1 (MANE Select); coding-DNA position 2728, G replaced by A.
Protein change: p.Ala910Thr; replaces alanine 910 with threonine.
Molecular consequence: missense variant.
Genome position (GRCh38, 1-based): chr10:54,020,215, C>T on the plus strand (G>A on the coding strand, the complement: PCDH15 is on the minus strand). VCF-style: chr10-54020215-C-T. GRCh37 (hg19) VCF-style: chr10-55779975-C-T.
Other names: c.2743G>A, p.Ala915Thr (NM_001142763.2, NM_001142771.2); c.2728G>A, p.Ala910Thr (NM_001142764.2, NM_001142766.2, NM_001142770.3 and 5 more transcripts); c.2515G>A, p.Ala839Thr (NM_001142765.2); c.2617G>A, p.Ala873Thr (NM_001142767.2); c.2662G>A, p.Ala888Thr (NM_001142768.2, NM_001142773.2, NM_001354404.2); c.2764G>A, p.Ala922Thr (NM_001142769.4); c.2749G>A, p.Ala917Thr (NM_001354411.2); short protein forms A839T, A910T, A922T, A888T, A917T, A873T, A915T.
Identifiers: ClinVar variation 1524293 (VCV001524293.6), dbSNP rs139175351, ClinGen allele CA376522004.

ClinVar aggregate classification (germline): Uncertain significance (1 of 4 stars; one submission).

gnomAD v4.1: 2 of 1,613,584 alleles (0.00012%); highest among the groups gnomAD compares: Admixed American, 0.0017%; no homozygotes.

Submission:

Labcorp Genetics (formerly Invitae), Labcorp
Classification: Uncertain significance. Last evaluated: 2024-11-11. Review status: criteria provided, single submitter. Criteria: Invitae Variant Classification Sherloc (09022015). Collection method: clinical testing. Allele origin: germline.
Comment: This sequence change replaces alanine, which is neutral and non-polar, with threonine, which is neutral and polar, at codon 910 of the PCDH15 protein (p.Ala910Thr). This variant is not present in population databases (gnomAD no frequency). This variant has not been reported in the literature in individuals affected with PCDH15-related conditions. ClinVar contains an entry for this variant (Variation ID: 1524293). Invitae Evidence Modeling of protein sequence and biophysical properties (such as structural, functional, and spatial information, amino acid conservation, physicochemical variation, residue mobility, and thermodynamic stability) indicates that this missense variant is not expected to disrupt PCDH15 protein function with a negative predictive value of 95%. In summary, the available evidence is currently insufficient to determine the role of this variant in disease. Therefore, it has been classified as a Variant of Uncertain Significance.